The following is an entry in ClinVar:

ClinVar aggregate classification (germline): Uncertain significance (1 of 4 stars; one submission).

Submission:

CeGaT Center for Human Genetics Tuebingen
Classification: Uncertain significance. Last evaluated: 2025-02-01. Review status: criteria provided, single submitter. Criteria: CeGaT Center For Human Genetics Tuebingen Variant Classification Criteria Version 2. Collection method: clinical testing. Allele origin: germline. Affected: yes. Observed: 1 variant allele.
Comment: ARVCF: PM2, BP4

NM_001670.3(ARVCF):c.2720G>C (p.Arg907Thr)

Gene: ARVCF (ARVCF delta catenin family member; minus strand). Cytogenetic location: 22q11.21.
Variant type: single nucleotide variant.
Coding change: c.2720G>C on transcript NM_001670.3 (MANE Select); coding-DNA position 2720, G replaced by C.
Protein change: p.Arg907Thr; replaces arginine 907 with threonine.
Molecular consequence: missense variant.
Genome position (GRCh38, 1-based): chr22:19,971,947, C>G on the plus strand (G>C on the coding strand, the complement: ARVCF is on the minus strand). VCF-style: chr22-19971947-C-G. GRCh37 (hg19) VCF-style: chr22-19959470-C-G.
Other names: c.2513G>C, p.Arg838Thr (NM_001410839.1); short protein forms R838T, R907T.
Identifiers: ClinVar variation 3772578 (VCV003772578.13).
Genomic context (GRCh38, chr22:19,971,947, plus strand): 5'-TTCAAGGGTTCCTTCTCAGAGGCCTCTCCTGCAGAGCTGGCGCCCCGTGGCCTCCGCTCC[C>G]TCCGGTCCACCGTGGAGTATCCGTCTGTAGATGGGGTAAGGTGGGGCATGAGGGGCGCTC-3'
Protein context (NP_001661.1, residues 897-917): GPDGYSTVDR[Arg907Thr]ERRPRGASSA